The following is an entry in ClinVar:

ClinVar aggregate classification (germline): Uncertain significance (1 of 4 stars; one submission).

Conditions:
Creatine transporter deficiency (CCDS1). Also called: Mental retardation , X-linked with seizures, short stature and midface hypoplasia; Mental retardation , X-linked, with creatine transport deficiency; X-linked creatine transporter deficiency; X-linked creatine deficiency syndrome; SLC6A8-Related Creatine Transporter Deficiency; CREATINE TRANSPORTER DEFECT. Identifiers: Orphanet 52503, MedGen C1845862, MONDO:0010305, OMIM 300352.

Submission:

Labcorp Genetics (formerly Invitae), Labcorp
Classification: Uncertain significance for Creatine transporter deficiency. Last evaluated: 2022-09-01. Review status: criteria provided, single submitter. Criteria: Invitae Variant Classification Sherloc (09022015). Collection method: clinical testing. Allele origin: germline.
Comment: This variant, c.11_13del, results in the deletion of 1 amino acid(s) of the SLC6A8 protein (p.Lys4del), but otherwise preserves the integrity of the reading frame. In summary, the available evidence is currently insufficient to determine the role of this variant in disease. Therefore, it has been classified as a Variant of Uncertain Significance. Experimental studies and prediction algorithms are not available or were not evaluated, and the functional significance of this variant is currently unknown. This variant has not been reported in the literature in individuals affected with SLC6A8-related conditions. This variant is not present in population databases (gnomAD no frequency).

NM_005629.4(SLC6A8):c.8AGA[1] (p.Lys4del)

Gene: SLC6A8 (solute carrier family 6 member 8; plus strand). Cytogenetic location: Xq28.
Variant type: Microsatellite.
Coding change: c.8AGA[1] on transcript NM_005629.4 (MANE Select); one copy of the 3-base unit AGA starting at c.8; the reference has two copies in a row; one copy, 3 bases deleted.
Protein change: p.Lys4del; deletes lysine 4.
Molecular consequence: inframe deletion.
Genome position (GRCh38, 1-based): chrX:153,688,585-153,688,587, AGA deleted; deleting any 3 consecutive bases within chrX:153,688,580-153,688,587 gives the same sequence; the position shown is the placement nearest the transcript's 3' end. VCF-style (leftmost placement, unchanged base first): chrX-153688579-CGAA-C. GRCh37 (hg19) VCF-style: chrX-152954034-CGAA-C.
Other names: c.8AGA[1], p.Lys4del (NM_001142805.2); short protein forms K4del.
Identifiers: ClinVar variation 1499872 (VCV001499872.8), dbSNP rs2148358298, ClinGen allele CA2580612299.